The following is an entry in ClinVar:

NM_003366.4(UQCRC2):c.729dup (p.Leu244fs)

Genes: PDZD9 (PDZ domain containing 9), UQCRC2 (ubiquinol-cytochrome c reductase core protein 2). Cytogenetic location: 16p12.2.
Variant type: Duplication.
Coding change: c.729dup on transcript NM_003366.4 (MANE Select); coding-DNA position 729, one base duplicated.
Protein change: p.Leu244fs; shifts the reading frame from leucine 244.
Molecular consequence: frameshift variant.
Genome position: GRCh38 VCF-style: chr16-21971580-T-TG. GRCh37 (hg19) VCF-style: chr16-21982901-T-TG.
Other names: short protein forms L244fs.
Identifiers: ClinVar variation 2506293 (VCV002506293.1), dbSNP rs2507410551, ClinGen allele CA2580613437.

ClinVar aggregate classification (germline): Likely pathogenic (1 of 4 stars; one submission).

Conditions:
Mitochondrial complex III deficiency nuclear type 5. Identifiers: MedGen C3554608, MONDO:0014066, OMIM 615160.

Submission:

Women's Health and Genetics/Laboratory Corporation of America, LabCorp
Classification: Likely pathogenic for Mitochondrial complex III deficiency nuclear type 5. Last evaluated: 2023-05-10. Review status: criteria provided, single submitter. Criteria: LabCorp Variant Classification Summary - May 2015. Collection method: clinical testing. Allele origin: germline.
Comment: Variant summary: UQCRC2 c.729dupG (p.Leu244AlafsX14) results in a premature termination codon, predicted to cause a truncation of the encoded protein or absence of the protein due to nonsense mediated decay, which are commonly known mechanisms for disease. The variant was absent in 251412 control chromosomes (gnomAD). To our knowledge, no occurrence of c.729dupG in individuals affected with Mitochondrial Complex III Deficiency Nuclear Type 5 and no experimental evidence demonstrating its impact on protein function have been reported. No clinical diagnostic laboratories have submitted clinical-significance assessments for this variant to ClinVar after 2014. Based on the evidence outlined above, the variant was classified as likely pathogenic.